The following is an entry in ClinVar:

NM_001379200.1(TBX1):c.1045G>A (p.Glu349Lys)

Gene: TBX1 (T-box transcription factor 1; plus strand). Cytogenetic location: 22q11.21.
Variant type: single nucleotide variant.
Coding change: c.1045G>A on transcript NM_001379200.1 (MANE Select); coding-DNA position 1045, G replaced by A.
Protein change: p.Glu349Lys; replaces glutamic acid 349 with lysine.
Molecular consequence: missense variant. On other transcripts: intron variant (2).
Genome position (GRCh38, 1-based): chr22:19,766,397, G>A. VCF-style: chr22-19766397-G-A. GRCh37 (hg19) VCF-style: chr22-19753920-G-A.
Other names: c.1018G>A, p.Glu340Lys (NM_080647.1); c.1009+395G>A (NM_005992.1, NM_080646.2); short protein forms E340K, E349K.
Identifiers: ClinVar variation 1720239 (VCV001720239.5), dbSNP rs2517857190, ClinGen allele CA410683975.

ClinVar aggregate classification (germline): Uncertain significance (1 of 4 stars; one submission).

Conditions:
DiGeorge syndrome. Also called: THIRD AND FOURTH PHARYNGEAL POUCH SYNDROME; Catch22. Identifiers: Orphanet 567, MedGen C0012236, MONDO:0008564, OMIM 188400.

Allele frequency attached by ClinVar (database versions not stated): gnomAD exomes below 0.00001.

Submission:

Labcorp Genetics (formerly Invitae), Labcorp
Classification: Uncertain significance for DiGeorge syndrome. Last evaluated: 2022-09-23. Review status: criteria provided, single submitter. Criteria: Invitae Variant Classification Sherloc (09022015). Collection method: clinical testing. Allele origin: germline.
Comment: This variant has not been reported in the literature in individuals affected with TBX1-related conditions. Algorithms developed to predict the effect of missense changes on protein structure and function (SIFT, PolyPhen-2, Align-GVGD) all suggest that this variant is likely to be tolerated. In summary, the available evidence is currently insufficient to determine the role of this variant in disease. Therefore, it has been classified as a Variant of Uncertain Significance. This variant is not present in population databases (gnomAD no frequency). This sequence change replaces glutamic acid, which is acidic and polar, with lysine, which is basic and polar, at codon 340 of the TBX1 protein (p.Glu340Lys).